The following is an entry in ClinVar:

ClinVar aggregate classification (germline): Conflicting classifications of pathogenicity. Review status: criteria provided, conflicting classifications (1 of 4 stars). 2 submissions from 2 submitters: Uncertain significance (1); Likely benign (1). Last evaluated 2024-12-18.

Conditions:
COL18A1-related disorder. Also called: COL18A1-related condition; COL18A1-related disorders.

gnomAD v4.1: 42 of 1,539,974 alleles (0.0027%); highest among the groups gnomAD compares: Middle Eastern, 0.017%; no homozygotes.

Submissions (2):

PreventionGenetics, part of Exact Sciences
Classification: Uncertain significance for COL18A1-related condition. Last evaluated: 2024-12-18. Review status: criteria provided, single submitter. Criteria: ACMG Guidelines, 2015. Collection method: clinical testing. Allele origin: germline.
Comment: The COL18A1 c.1087G>A variant is predicted to result in the amino acid substitution p.Gly363Ser. To our knowledge, this variant has not been reported in the literature. This variant is reported in 0.014% of alleles in individuals of African descent in gnomAD. At this time, the clinical significance of this variant is uncertain due to the absence of conclusive functional and genetic evidence.

Blueprint Genetics
Classification: Likely benign. Last evaluated: 2024-04-25. Review status: criteria provided, single submitter. Criteria: ACMG Guidelines, 2015. Collection method: clinical testing. Allele origin: germline.

NM_001379500.1(COL18A1):c.107-11625G>A

Gene: COL18A1 (collagen type XVIII alpha 1 chain; plus strand). Cytogenetic location: 21q22.3.
Variant type: single nucleotide variant.
Coding change: c.107-11625G>A on transcript NM_001379500.1 (MANE Select); 11625 bases into the intron before coding-DNA position 107, G replaced by A.
Molecular consequence: intron variant. On other transcripts: missense variant (1).
Genome position (GRCh38, 1-based): chr21:45,456,617, G>A. VCF-style: chr21-45456617-G-A. GRCh37 (hg19) VCF-style: chr21-46876531-G-A.
Other names: c.1087G>A, p.Gly363Ser (NM_130444.3); c.646+441G>A (NM_030582.4); c.1087G>A (NM_130444.2); short protein forms G363S.
Identifiers: ClinVar variation 4946580 (VCV004946580.2).